The following is an entry in ClinVar:

NM_144670.6(A2ML1):c.4354C>T (p.Pro1452Ser)

Gene: A2ML1 (alpha-2-macroglobulin like 1; plus strand). Cytogenetic location: 12p13.31.
Variant type: single nucleotide variant.
Coding change: c.4354C>T on transcript NM_144670.6 (MANE Select); coding-DNA position 4354, C replaced by T.
Protein change: p.Pro1452Ser; replaces proline 1452 with serine.
Molecular consequence: missense variant.
Genome position (GRCh38, 1-based): chr12:8,875,000, C>T. VCF-style: chr12-8875000-C-T. GRCh37 (hg19) VCF-style: chr12-9027596-C-T.
Other names: c.2881C>T, p.Pro961Ser (NM_001282424.3); short protein forms P961S, P1452S.
Identifiers: ClinVar variation 3515049 (VCV003515049.1).

ClinVar aggregate classification (germline): Uncertain significance (1 of 4 stars; one submission).

gnomAD v4.1: 3 of 1,613,950 alleles (0.00019%); highest among the groups gnomAD compares: Admixed American, 0.0017%; no homozygotes.

Submission:

Ambry Genetics
Classification: Uncertain significance. Last evaluated: 2024-07-17. Review status: criteria provided, single submitter. Criteria: Ambry Variant Classification Scheme 2023. Collection method: clinical testing. Allele origin: germline.
Comment: The p.P1452S variant (also known as c.4354C>T), located in coding exon 35 of the A2ML1 gene, results from a C to T substitution at nucleotide position 4354. The proline at codon 1452 is replaced by serine, an amino acid with similar properties. This amino acid position is conserved. In addition, this alteration is predicted to be tolerated by in silico analysis. Based on the available evidence, the clinical significance of this variant remains unclear.